The following is an entry in ClinVar:

NM_000156.6(GAMT):c.439C>T (p.His147Tyr)

Gene: GAMT (guanidinoacetate N-methyltransferase; minus strand). Cytogenetic location: 19p13.3.
Variant type: single nucleotide variant.
Coding change: c.439C>T on transcript NM_000156.6 (MANE Select); coding-DNA position 439, C replaced by T.
Protein change: p.His147Tyr; replaces histidine 147 with tyrosine.
Molecular consequence: missense variant.
Genome position (GRCh38, 1-based): chr19:1,399,148, G>A on the plus strand (C>T on the coding strand, the complement: GAMT is on the minus strand). VCF-style: chr19-1399148-G-A. GRCh37 (hg19) VCF-style: chr19-1399147-G-A.
Other names: NM_138924.3:c.439C>T; c.439C>T (NM_000156.5, NM_000156.4); c.439C>T, p.His147Tyr (NM_138924.3); short protein forms H147Y.
Identifiers: ClinVar variation 2446460 (VCV002446460.9), dbSNP rs1371496558, ClinGen allele CA402995088.
Genomic context (GRCh38, chr19:1,399,148, plus strand): 5'-CCGAGGGCCTCCCGCATCCCAGCAAGTCAGAGAGAACCACCTTGATGAAGTTGAACTGGT[G>A]TGTGTGCCAGGTCTCCTCCGAGAGTGGGTACGTGTCGTACAGGATCCCTGCACGGAGAAC-3'
Protein context (NP_000147.1, residues 137-157): YPLSEETWHT[His147Tyr]QFNFIKNHAF

ClinVar aggregate classification (germline): Likely pathogenic. Review status: reviewed by expert panel (3 of 4 stars). 7 submissions from 7 submitters: Likely pathogenic (1). 6 of the submissions do not count toward it. Last evaluated 2025-10-15.

Conditions:
Deficiency of guanidinoacetate methyltransferase (CCDS2). Also called: CEREBRAL CREATINE DEFICIENCY SYNDROME 2; GAMT DEFICIENCY; Guanidinoacetate Methyltransferase (GAMT) Deficiency. Identifiers: Orphanet 382, MedGen C0574080, MONDO:0012999, OMIM 612736.
GAMT-related disorder. Also called: GAMT-related condition.

Allele frequency attached by ClinVar (database versions not stated): gnomAD exomes below 0.00001; gnomAD 0.00001.

Submissions (7):

ClinGen Cerebral Creatine Deficiency Syndromes Variant Curation Expert Panel, ClinGen
Classification: Likely pathogenic for Deficiency of guanidinoacetate methyltransferase. Last evaluated: 2025-10-15. Review status: reviewed by expert panel. Criteria: ClinGen CCDS ACMG Specifications GAMT V2.0.0. Collection method: curation. Allele origin: germline. Inheritance: Autosomal recessive inheritance.
Comment: The NM_000156.6:c.439C>T variant in GAMT is predicted to result in the substitution of histidine by tyrosine at amino acid 147 (p.His147Tyr). This variant has been identified in an individual with a diagnosis of guanidinoacetate methyltransferase deficiency confirmed by deficient enzyme activity in cultured fibroblasts (PMID: 24415674) (PP4_Moderate). This individual is compound heterozygous for the variant and another variant in GAMT that has been classified as pathogenic for GAMT deficiency by the ClinGen CCDS VCEP, c.11_36dup (p.Gly13fs) (ClinVar Variation ID: 858462); the phase is unconfirmed (PMID: 24415674) (0.5 points) (PM3_Supporting). The highest population minor allele frequency in gnomAD v4.1.0. is 0.00001335 (1/74918 alleles) in the African / African American population, which is lower than the ClinGen CCDS VCEP’s threshold for PM2_Supporting (<0.0004), meeting this criterion (PM2_Supporting). This variant was shown to result in 4% of wild-type enzyme activity in GAMT-deficient fibroblasts (PMID: 24415674) (PS3_Supporting). The computational predictor REVEL gives a score of 0.888 which is in the range of 0.773-0.932, evidence that correlates with impact to GAMT function at the moderate level (PMID: 36413997) (PP3_Moderate). There is a ClinVar entry for this variant (Variation ID: 2446460). In summary, this variant meets criteria to be classified as likely pathogenic for guanidinoacetate methyltransferase (GAMT) deficiency. GAMT-specific ACMG/AMP criteria applied, as specified by the ClinGen Cerebral Creatine Deficiencies Variant Curation Expert Panel (CCDS VCEP) (Specifications version 2.0.0): PP3_Moderate, PP4_Moderate, PS3_Supporting, PM2_Supporting, PM3_Supporting (Classification approved by the ClinGen Cerebral Creatine Deficiencies Variant Curation Expert Panel on October 15, 2025)

Women's Health and Genetics/Laboratory Corporation of America, LabCorp
Classification: Likely pathogenic for Deficiency of guanidinoacetate methyltransferase. Last evaluated: 2026-04-15. Review status: criteria provided, single submitter. Criteria: LabCorp Variant Classification Summary - May 2015. Collection method: clinical testing. Allele origin: germline. Not counted in ClinVar's aggregate classification.
Comment: Variant summary: GAMT c.439C>T (p.His147Tyr) results in a conservative amino acid change in the encoded protein sequence. Algorithms developed to predict the effect of missense changes on protein structure and function are either unavailable or do not agree on the potential impact of this missense change. The variant was absent in 251204 control chromosomes. c.439C>T has been observed together with a pathogenic variant in an individual affected with Guanidinoactetate Methyltransferase Deficiency (Mercimek-Mahmutoglu_2014). At least one publication reports experimental evidence evaluating an impact on protein function and found that the variant resulted in approximately 4% of wildtype enzyme activity (Mercimek-Mahmutoglu_2014). Together these findings suggest the variant is likely associated with disease. The following publication has been ascertained in the context of this evaluation (PMID: 24415674). ClinVar contains an entry for this variant (Variation ID: 2446460). Based on the evidence outlined above, the variant was classified as likely pathogenic.

Natera, Inc.
Classification: Likely pathogenic for Guanidinoacetate methyltransferase deficiency. Last evaluated: 2025-10-29. Review status: criteria provided, single submitter. Criteria: Natera Variant Classification Schema (03/2026). Collection method: clinical testing. Allele origin: germline. Not counted in ClinVar's aggregate classification.
Comment: The c.439C>T variant in GAMT is a missense variant predicted to cause substitution of histidine to tyrosine at amino acid 147. This variant is rare in the general population with a frequency below the threshold expected for the associated phenotype(s). This variant has been observed in one or more individuals affected with the associated recessive disease, as either homozygous or compound heterozygous with a second variant (PMID: 24415674). Functional studies show that this variant may disrupt protein function (PMID: 24415674). Computational prediction algorithms indicate this variant is likely to affect gene or protein function. Given the available evidence, this variant is classified as Likely Pathogenic.

GeneDx
Classification: Likely pathogenic. Last evaluated: 2025-04-28. Review status: criteria provided, single submitter. Criteria: GeneDx Variant Classification Process June 2021. Collection method: clinical testing. Allele origin: germline. Affected: yes. Not counted in ClinVar's aggregate classification.
Comment: Published functional studies demonstrate a damaging effect with significantly reduced activity (PMID: 24415674); Not observed at significant frequency in large population cohorts (gnomAD); In silico analysis supports that this missense variant has a deleterious effect on protein structure/function; This variant is associated with the following publications: (PMID: 24415674)

Blueprint Genetics
Classification: Likely pathogenic for GAMT-related disorders. Last evaluated: 2024-03-07. Review status: criteria provided, single submitter. Criteria: ACMG Guidelines, 2015. Collection method: clinical testing. Allele origin: germline. Affected: yes. Observed: 1 variant allele. Not counted in ClinVar's aggregate classification.

Baylor Genetics
Classification: Likely pathogenic for Deficiency of guanidinoacetate methyltransferase. Last evaluated: 2022-11-16. Review status: criteria provided, single submitter. Criteria: ACMG Guidelines, 2015. Collection method: clinical testing. Allele origin: unknown. Not counted in ClinVar's aggregate classification.

PreventionGenetics, part of Exact Sciences
Classification: Likely pathogenic for GAMT-related condition. Last evaluated: 2024-03-01. Review status: no assertion criteria provided. Collection method: clinical testing. Allele origin: germline. Not counted in ClinVar's aggregate classification.
Comment: The GAMT c.439C>T variant is predicted to result in the amino acid substitution p.His147Tyr. This variant was reported in the compound heterozygous state with an early termination change in an individual with autosomal recessive cerebral creatine deficiency syndrome 2; and functional studies supported its pathogenicity (Mercimek-Mahmutoglu et al 2014. PubMed ID: 24415674). This variant has not been reported in a large population database, indicating this variant is rare. This variant is interpreted as likely pathogenic.

Literature cited by the submitters: PubMed 24415674 (cited by 3 submitters).